The following is an entry in ClinVar:

NM_001365951.3(KIF1B):c.5348A>G (p.Asn1783Ser)

Gene: KIF1B (kinesin family member 1B; plus strand). Cytogenetic location: 1p36.22.
Variant type: single nucleotide variant.
Coding change: c.5348A>G on transcript NM_001365951.3 (MANE Select); coding-DNA position 5348, A replaced by G.
Protein change: p.Asn1783Ser; replaces asparagine 1783 with serine.
Molecular consequence: missense variant.
Genome position (GRCh38, 1-based): chr1:10,375,313, A>G. VCF-style: chr1-10375313-A-G. GRCh37 (hg19) VCF-style: chr1-10435371-A-G.
Other names: c.5348A>G, p.Asn1783Ser (NM_001365952.1); c.5210A>G, p.Asn1737Ser (NM_015074.3); short protein forms N1737S, N1783S.
Identifiers: ClinVar variation 543202 (VCV000543202.8), dbSNP rs549813751, ClinGen allele CA582323.

ClinVar aggregate classification (germline): Uncertain significance (1 of 4 stars; one submission).

Conditions:
Charcot-Marie-Tooth disease type 2. Also called: Charcot-Marie-Tooth type 2. Identifiers: Orphanet 64746, MedGen C0270914, MONDO:0018993.

Allele frequency attached by ClinVar (database versions not stated): gnomAD 0.00001; gnomAD exomes below 0.00001; TOPMed below 0.00001; ExAC 0.00001.
gnomAD v4.1: 6 of 1,614,024 alleles (0.00037%); highest among the groups gnomAD compares: East Asian, 0.0022%; no homozygotes.

Submission:

Labcorp Genetics (formerly Invitae), Labcorp
Classification: Uncertain significance for Charcot-Marie-Tooth disease type 2. Last evaluated: 2024-03-20. Review status: criteria provided, single submitter. Criteria: Invitae Variant Classification Sherloc (09022015). Collection method: clinical testing. Allele origin: germline.
Comment: This sequence change replaces asparagine, which is neutral and polar, with serine, which is neutral and polar, at codon 1737 of the KIF1B protein (p.Asn1737Ser). This variant is present in population databases (rs549813751, gnomAD 0.003%). This variant has not been reported in the literature in individuals affected with KIF1B-related conditions. ClinVar contains an entry for this variant (Variation ID: 543202). An algorithm developed to predict the effect of missense changes on protein structure and function (PolyPhen-2) suggests that this variant is likely to be disruptive. In summary, the available evidence is currently insufficient to determine the role of this variant in disease. Therefore, it has been classified as a Variant of Uncertain Significance.